The following is an entry in ClinVar:

ClinVar aggregate classification (germline): Uncertain significance (1 of 4 stars; one submission).

Conditions:
Neuronopathy, distal hereditary motor, type 7A. Also called: SPINAL MUSCULAR ATROPHY, DISTAL, WITH VOCAL CORD PARALYSIS; NEURONOPATHY, DISTAL HEREDITARY MOTOR, HARDING TYPE VIIA; NEUROPATHY, DISTAL HEREDITARY MOTOR, HARDING TYPE VIIA; Neuronopathy, distal hereditary motor, autosomal dominant 7; HARPER-YOUNG MYOPATHY; HMN VIIA. Identifiers: Orphanet 139589, MedGen C1834703, MONDO:0008024, OMIM 158580.
Congenital myasthenic syndrome 20. Also called: Myasthenic syndrome, congenital, 20, presynaptic. Identifiers: MedGen C4310694, MONDO:0014939, OMIM 617143.

Submission:

Labcorp Genetics (formerly Invitae), Labcorp
Classification: Uncertain significance for Neuronopathy, distal hereditary motor, type viia; Myasthenic syndrome, congenital, 20, presynaptic. Last evaluated: 2019-03-27. Review status: criteria provided, single submitter. Criteria: Invitae Variant Classification Sherloc (09022015). Collection method: clinical testing. Allele origin: germline.
Comment: This variant results in a copy number gain of the genomic region encompassing the full coding sequence of the SLC5A7 gene. The boundaries of this event are unknown as they extend beyond the assayed region for this gene and therefore may encompass additional genes. As the precise location of this event is unknown, it may be in tandem or it may be located elsewhere in the genome. This variant has not been reported in the literature in individuals with SLC5A7-related disease. In summary, the available evidence is currently insufficient to determine the role of this variant in disease. Therefore, it has been classified as a Variant of Uncertain Significance.

NC_000002.12:g.(?_107988146)_(108010871_?)dup

Gene: SLC5A7 (solute carrier family 5 member 7; plus strand). Cytogenetic location: 2q12.3.
Variant type: Duplication.
Identifiers: ClinVar variation 831843 (VCV000831843.1).